The following is an entry in ClinVar:

ClinVar aggregate classification (germline): Likely pathogenic (1 of 4 stars; one submission).

Conditions:
Wiedemann-Steiner syndrome (WDSTS). Also called: Growth deficiency and mental retardation with facial dysmorphism. Identifiers: Orphanet 319182, MedGen C1854630, MONDO:0011518, OMIM 605130.

Submission:

Institute of Human Genetics, University of Goettingen
Classification: Likely pathogenic for Wiedemann-Steiner syndrome. Last evaluated: 2024-09-17. Review status: criteria provided, single submitter. Criteria: ACMG Guidelines, 2015. Collection method: clinical testing. Allele origin: unknown. Inheritance: Sporadic. Affected: yes. Observed: 1 heterozygote.
Comment: The variant c.653del (p.(Ile218Lysfs*14)) in exon 3 of the KMT2A gene is not found in the gnomAD database and changes the protein sequence at position Ile218, the new reading frame ends in a STOP codon at position 14 and thus interrupts the reading frame prematurely. Truncating variants in KMT2A are a known mechanism of disease. ACMG criteria used for classification: PVS1, PM2_sup.

NM_001197104.2(KMT2A):c.653del (p.Ile218fs)

Gene: KMT2A (lysine methyltransferase 2A; plus strand). Cytogenetic location: 11q23.3.
Variant type: Deletion.
Coding change: c.653del on transcript NM_001197104.2 (MANE Select); coding-DNA position 653, one base deleted (T; older notation c.653delT).
Protein change: p.Ile218fs; shifts the reading frame from isoleucine 218.
Molecular consequence: frameshift variant.
Genome position (GRCh38, 1-based): chr11:118,471,812, T deleted. VCF-style (leftmost placement, unchanged base first): chr11-118471811-AT-A. GRCh37 (hg19) VCF-style: chr11-118342526-AT-A.
Other names: c.653del, p.Ile218fs (NM_005933.4); c.752del, p.Ile251fs (NM_001412597.1); short protein forms I218fs, I251fs.
Identifiers: ClinVar variation 3340469 (VCV003340469.2).